The following is an entry in ClinVar:

NM_001370259.2(MEN1):c.573G>T (p.Glu191Asp)

Gene: MEN1 (menin 1; minus strand). Cytogenetic location: 11q13.1.
Variant type: single nucleotide variant.
Coding change: c.573G>T on transcript NM_001370259.2 (MANE Select); coding-DNA position 573, G replaced by T.
Protein change: p.Glu191Asp; replaces glutamic acid 191 with aspartic acid.
Molecular consequence: missense variant. On other transcripts: intron variant (2).
Genome position (GRCh38, 1-based): chr11:64,807,972, C>A on the plus strand (G>T on the coding strand, the complement: MEN1 is on the minus strand). VCF-style: chr11-64807972-C-A. GRCh37 (hg19) VCF-style: chr11-64575444-C-A.
Other names: c.588G>T, p.Glu196Asp (NM_000244.4, NM_130800.3, NM_130801.3 and 3 more transcripts); c.573G>T, p.Glu191Asp (NM_001370251.2, NM_001370260.2, NM_001370261.2 and 1 more transcripts); c.549+24G>T (NM_001370263.2, NM_001370262.2); short protein forms E191D, E196D.
Identifiers: ClinVar variation 825933 (VCV000825933.12), dbSNP rs1592651018, ClinGen allele CA381185667.

ClinVar aggregate classification (germline): Conflicting classifications of pathogenicity. Review status: criteria provided, conflicting classifications (1 of 4 stars). 2 submissions from 2 submitters: Uncertain significance (1); Benign (1). Last evaluated 2024-11-22.

Conditions:
Multiple endocrine neoplasia, type 1 (MEN1). Also called: MEN I; WERMER SYNDROME; Endocrine adenomatosis multiple; MEN 1; MEA I. Identifiers: Orphanet 652, MedGen C0025267, MeSH D018761, MONDO:0007540, OMIM 131100.
Hereditary cancer-predisposing syndrome. Also called: Neoplastic Syndromes, Hereditary; Hereditary Cancer Syndrome; Hereditary neoplastic syndrome; Tumor predisposition. Identifiers: Orphanet 140162, MedGen C0027672, MeSH D009386, MONDO:0015356.

Submissions (2):

Labcorp Genetics (formerly Invitae), Labcorp
Classification: Benign for Multiple endocrine neoplasia, type 1. Last evaluated: 2024-11-22. Review status: criteria provided, single submitter. Criteria: Invitae Variant Classification Sherloc (09022015). Collection method: clinical testing. Allele origin: germline.

Ambry Genetics
Classification: Uncertain significance for Hereditary cancer-predisposing syndrome. Last evaluated: 2024-08-09. Review status: criteria provided, single submitter. Criteria: Ambry Variant Classification Scheme 2023. Collection method: clinical testing. Allele origin: germline.
Comment: The p.E191D variant (also known as c.573G>T), located in coding exon 2 of the MEN1 gene, results from a G to T substitution at nucleotide position 573. The glutamic acid at codon 191 is replaced by aspartic acid, an amino acid with highly similar properties. This amino acid position is highly conserved in available vertebrate species. In addition, the in silico prediction for this alteration is inconclusive. Based on the available evidence, the clinical significance of this variant remains unclear.